The following is an entry in ClinVar:

NM_001184.4(ATR):c.791A>G (p.Gln264Arg)

Gene: ATR (ATR serine/threonine kinase; minus strand). Cytogenetic location: 3q23.
Variant type: single nucleotide variant.
Coding change: c.791A>G on transcript NM_001184.4 (MANE Select); coding-DNA position 791, A replaced by G.
Protein change: p.Gln264Arg; replaces glutamine 264 with arginine.
Molecular consequence: missense variant.
Genome position (GRCh38, 1-based): chr3:142,562,611, T>C on the plus strand (A>G on the coding strand, the complement: ATR is on the minus strand). VCF-style: chr3-142562611-T-C. GRCh37 (hg19) VCF-style: chr3-142281453-T-C.
Other names: c.791A>G, p.Gln264Arg (NM_001354579.2); short protein forms Q264R.
Identifiers: ClinVar variation 3462630 (VCV003462630.1).

ClinVar aggregate classification (germline): Uncertain significance (1 of 4 stars; one submission).

Conditions:
Inborn genetic diseases. Identifiers: MedGen C0950123, MeSH D030342.

Submission:

Ambry Genetics
Classification: Uncertain significance for Inborn genetic diseases. Last evaluated: 2024-09-06. Review status: criteria provided, single submitter. Criteria: Ambry Variant Classification Scheme 2023. Collection method: clinical testing. Allele origin: germline.
Comment: The p.Q264R variant (also known as c.791A>G), located in coding exon 4 of the ATR gene, results from an A to G substitution at nucleotide position 791. The glutamine at codon 264 is replaced by arginine, an amino acid with highly similar properties. This amino acid position is conserved. In addition, this alteration is predicted to be tolerated by in silico analysis. Based on the available evidence, the clinical significance of this variant remains unclear.